The following is an entry in ClinVar:

ClinVar aggregate classification (germline): Uncertain significance (1 of 4 stars; one submission).

Submission:

Labcorp Genetics (formerly Invitae), Labcorp
Classification: Uncertain significance. Last evaluated: 2022-05-12. Review status: criteria provided, single submitter. Criteria: Invitae Variant Classification Sherloc (09022015). Collection method: clinical testing. Allele origin: germline.
Comment: This sequence change creates a premature translational stop signal (p.Tyr615*) in the MAK gene. While this is not anticipated to result in nonsense mediated decay, it is expected to disrupt the last 34 amino acid(s) of the MAK protein. This variant is not present in population databases (gnomAD no frequency). This variant has not been reported in the literature in individuals affected with MAK-related conditions. Experimental studies and prediction algorithms are not available or were not evaluated, and the functional significance of this variant is currently unknown. In summary, the available evidence is currently insufficient to determine the role of this variant in disease. Therefore, it has been classified as a Variant of Uncertain Significance.

NM_001242957.3(MAK):c.1845T>G (p.Tyr615Ter)

Gene: MAK (male germ cell associated kinase; minus strand). Cytogenetic location: 6p24.2.
Variant type: single nucleotide variant.
Coding change: c.1845T>G on transcript NM_001242957.3 (MANE Select); coding-DNA position 1845, T replaced by G.
Protein change: p.Tyr615Ter; replaces tyrosine 615 with a stop codon.
Molecular consequence: nonsense. On other transcripts: non-coding transcript variant (2).
Genome position (GRCh38, 1-based): chr6:10,764,554, A>C on the plus strand (T>G on the coding strand, the complement: MAK is on the minus strand). VCF-style: chr6-10764554-A-C. GRCh37 (hg19) VCF-style: chr6-10764787-A-C.
Other names: c.1650T>G, p.Tyr550Ter (NM_001242385.2); c.1548T>G, p.Tyr516Ter (NM_001377262.1); c.1770T>G, p.Tyr590Ter (NM_005906.6); short protein forms Y590*, Y516*, Y615*, Y550*.
Identifiers: ClinVar variation 1993233 (VCV001993233.1), dbSNP rs1772220261, ClinGen allele CA362719320.
Genomic context (GRCh38, chr6:10,764,554, plus strand): 5'-ATGCACTGAGGGAATGGGCTGTGCACGGTTCACAATATTTAGGTTTTTTGCTGTAGGATT[A>C]TAAGTACGTCCTGAAAACTGCCCCCGACCAGTTTTTGTGTTCCAGGTATATTCTGAAAGA-3'